The following is an entry in ClinVar:

ClinVar aggregate classification (germline): Uncertain significance (1 of 4 stars; one submission).

gnomAD v4.1: 3 of 1,552,042 alleles (0.00019%); highest among the groups gnomAD compares: Non-Finnish European, 0.00026%; no homozygotes.

Submission:

Labcorp Genetics (formerly Invitae), Labcorp
Classification: Uncertain significance. Last evaluated: 2025-06-14. Review status: criteria provided, single submitter. Criteria: Invitae Variant Classification Sherloc (09022015). Collection method: clinical testing. Allele origin: germline.
Comment: This sequence change replaces glutamic acid, which is acidic and polar, with aspartic acid, which is acidic and polar, at codon 404 of the ARHGEF1 protein (p.Glu404Asp). This variant is not present in population databases (gnomAD no frequency). This variant has not been reported in the literature in individuals affected with ARHGEF1-related conditions. An algorithm developed to predict the effect of missense changes on protein structure and function (PolyPhen-2) suggests that this variant is likely to be tolerated. In summary, the available evidence is currently insufficient to determine the role of this variant in disease. Therefore, it has been classified as a Variant of Uncertain Significance.

NM_004706.4(ARHGEF1):c.1167G>T (p.Glu389Asp)

Gene: ARHGEF1 (Rho guanine nucleotide exchange factor 1; plus strand). Cytogenetic location: 19q13.2.
Variant type: single nucleotide variant.
Coding change: c.1167G>T on transcript NM_004706.4 (MANE Select); coding-DNA position 1167, G replaced by T.
Protein change: p.Glu389Asp; replaces glutamic acid 389 with aspartic acid.
Molecular consequence: missense variant. On other transcripts: non-coding transcript variant (2).
Genome position (GRCh38, 1-based): chr19:41,898,487, G>T. VCF-style: chr19-41898487-G-T. GRCh37 (hg19) VCF-style: chr19-42402636-G-T.
Other names: c.1167G>T, p.Glu389Asp (NM_001396006.1, NM_001396003.1); c.1068G>T, p.Glu356Asp (NM_198977.2, NM_001396002.1, NM_001396004.1); c.1212G>T, p.Glu404Asp (NM_199002.2); c.1335G>T, p.Glu445Asp (NM_001396000.1); short protein forms E356D, E445D, E404D, E389D.
Identifiers: ClinVar variation 4774999 (VCV004774999.1).